The following is an entry in ClinVar:

NM_024334.3(TMEM43):c.882+2T>C

Gene: TMEM43 (transmembrane protein 43; plus strand). Cytogenetic location: 3p25.1.
Variant type: single nucleotide variant.
Coding change: c.882+2T>C on transcript NM_024334.3 (MANE Select); the canonical splice donor site of the intron after coding-DNA position 882, T replaced by C.
Molecular consequence: splice donor variant.
Genome position (GRCh38, 1-based): chr3:14,135,910, T>C. VCF-style: chr3-14135910-T-C. GRCh37 (hg19) VCF-style: chr3-14177410-T-C.
Other names: c.885+2T>C (NM_001407274.1); c.882+2T>C (NM_001407276.1); c.879+2T>C (NM_001407275.1, NM_001407277.1); c.807+2T>C (NM_001407279.1); c.867+2T>C (NM_001407278.1); c.732+2T>C (NM_001407280.1).
Identifiers: ClinVar variation 4293558 (VCV004293558.1).

ClinVar aggregate classification (germline): Uncertain significance (1 of 4 stars; one submission).

Conditions:
Arrhythmogenic right ventricular dysplasia 5. Also called: Arrhythmogenic Right Ventricular Dysplasia/Cardiomyopathy 5; ARRHYTHMOGENIC RIGHT VENTRICULAR DYSPLASIA, FAMILIAL, 5. Identifiers: MedGen C1858379, MONDO:0011459, OMIM 604400.

Submission:

3billion
Classification: Uncertain significance for Arrhythmogenic right ventricular dysplasia 5. Last evaluated: 2025-03-04. Review status: criteria provided, single submitter. Criteria: ACMG Guidelines, 2015. Collection method: clinical testing. Allele origin: germline. Affected: yes.
Comment: The variant is not observed in the gnomAD v4.1.0 dataset. Predicted Consequence/Location: Canonical splice site: predicted to alter splicing and result in a loss or disruption of normal protein function.However, no pathogenic loss-of-function variants were reported downstream of the variant. In silico tools predict the variant to alter splicing and produce an abnormal transcript [SpliceAI: 0.97 (spliceogenicity >=0.2, non-spliceogenicity <0.1)]. Therefore, this variant is classified as VUS according to the recommendation of ACMG/AMP guideline.